The following is an entry in ClinVar:

NM_014956.5(CEP164):c.259_261del (p.Pro87del)

Gene: CEP164 (centrosomal protein 164; plus strand). Cytogenetic location: 11q23.3.
Variant type: Deletion.
Coding change: c.259_261del on transcript NM_014956.5 (MANE Select); coding-DNA positions 259 to 261, 3 bases deleted (CCA; older notation c.259_261delCCA).
Protein change: p.Pro87del; deletes proline 87.
Molecular consequence: inframe deletion.
Genome position (GRCh38, 1-based): chr11:117,351,854-117,351,856, CCA deleted. VCF-style (leftmost placement, unchanged base first): chr11-117351853-TCCA-T. GRCh37 (hg19) VCF-style: chr11-117222569-TCCA-T.
Other names: c.259_261del, p.Pro87del (NM_001271933.2, NM_001440949.1, NM_001440950.1 and 36 more transcripts); c.121_123del, p.Pro41del (NM_001440960.1); short protein forms P87del, P41del.
Identifiers: ClinVar variation 4999276 (VCV004999276.1).

ClinVar aggregate classification (germline): Uncertain significance (1 of 4 stars; one submission).

Conditions:
CEP164-related disorder. Also called: CEP164-related condition.

Submission:

PreventionGenetics, part of Exact Sciences
Classification: Uncertain significance for CEP164-related condition. Last evaluated: 2025-02-20. Review status: criteria provided, single submitter. Criteria: ACMG Guidelines, 2015. Collection method: clinical testing. Allele origin: germline.
Comment: The CEP164 c.259_261delCCA variant is predicted to result in an in-frame deletion (p.Pro87del). To our knowledge, this variant has not been reported in the literature. This variant is reported in 0.0029% of alleles in individuals of Latino descent in gnomAD. At this time, the clinical significance of this variant is uncertain due to the absence of conclusive functional and genetic evidence.